The following is an entry in ClinVar:

NM_013275.6(ANKRD11):c.-33C>T

Genes: ANKRD11 (ankyrin repeat domain 11; minus strand), LOC128462377 (ankyrin repeat domain 11 upstream open reading frame; minus strand). Cytogenetic location: 16q24.3.
Variant type: single nucleotide variant.
Coding change: c.-33C>T on transcript NM_013275.6 (MANE Select); 33 bases upstream of the start codon, C replaced by T.
Molecular consequence: 5 prime UTR variant. On other transcripts: synonymous variant (2), non-coding transcript variant (1).
Genome position (GRCh38, 1-based): chr16:89,317,052, G>A on the plus strand (C>T on the coding strand, the complement: ANKRD11 is on the minus strand). VCF-style: chr16-89317052-G-A. GRCh37 (hg19) VCF-style: chr16-89383460-G-A.
Other names: c.33C>T, p.Ala11= (NM_001416403.1); c.36C>T, p.Ala12= (NM_001417603.1); c.-33C>T (NM_001256182.2, NM_001256183.2).
Identifiers: ClinVar variation 2725387 (VCV002725387.3), dbSNP rs765273558, ClinGen allele CA8243301.

ClinVar aggregate classification (germline): Uncertain significance (1 of 4 stars; one submission).

Conditions:
KBG syndrome (KBGS). Also called: ANKRD11-Related KBG Syndrome. Identifiers: Orphanet 2332, MedGen C0220687, MONDO:0007846, OMIM 148050.

Allele frequency attached by ClinVar (database versions not stated): gnomAD 0.00003; TOPMed 0.00003; ExAC 0.00004.
gnomAD v4.1: 19 of 1,599,298 alleles (0.0012%); highest among the groups gnomAD compares: Admixed American, 0.0085%; no homozygotes.

Submission:

Labcorp Genetics (formerly Invitae), Labcorp
Classification: Uncertain significance for KBG syndrome. Last evaluated: 2025-10-26. Review status: criteria provided, single submitter. Criteria: Invitae Variant Classification Sherloc (09022015). Collection method: clinical testing. Allele origin: germline.
Comment: This variant occurs in a non-coding region of the ANKRD11 gene. It does not change the encoded amino acid sequence of the ANKRD11 protein. This variant is present in population databases (rs765273558, gnomAD 0.003%). This variant has not been reported in the literature in individuals affected with ANKRD11-related conditions. ClinVar contains an entry for this variant (Variation ID: 2725387). In summary, the available evidence is currently insufficient to determine the role of this variant in disease. Therefore, it has been classified as a Variant of Uncertain Significance.